The following is an entry in ClinVar:

ClinVar aggregate classification (germline): Uncertain significance (1 of 4 stars; one submission).

Submission:

GeneDx
Classification: Uncertain significance. Last evaluated: 2022-11-21. Review status: criteria provided, single submitter. Criteria: GeneDx Variant Classification Process June 2021. Collection method: clinical testing. Allele origin: germline. Affected: yes.
Comment: Not observed at significant frequency in large population cohorts (gnomAD); In silico analysis supports that this missense variant has a deleterious effect on protein structure/function; Missense variants in this gene are often considered pathogenic (HGMD); This substitution is predicted to be within the cytoplasmic loop between the first and second homologous domains; Has not been previously published as pathogenic or benign to our knowledge

NM_001165963.4(SCN1A):c.1588A>G (p.Arg530Gly)

Gene: SCN1A (sodium voltage-gated channel alpha subunit 1; minus strand). Cytogenetic location: 2q24.3.
Variant type: single nucleotide variant.
Coding change: c.1588A>G on transcript NM_001165963.4 (MANE Select); coding-DNA position 1588, A replaced by G.
Protein change: p.Arg530Gly; replaces arginine 530 with glycine.
Molecular consequence: missense variant. On other transcripts: 5 prime UTR variant (1), non-coding transcript variant (1).
Genome position (GRCh38, 1-based): chr2:166,045,117, T>C on the plus strand (A>G on the coding strand, the complement: SCN1A is on the minus strand). VCF-style: chr2-166045117-T-C. GRCh37 (hg19) VCF-style: chr2-166901627-T-C.
Other names: c.1588A>G, p.Arg530Gly (NM_001165964.3, NM_001202435.3, NM_001353948.2 and 7 more transcripts); c.1585A>G, p.Arg529Gly (NM_001353954.2, NM_001353955.2, NM_001353960.2); c.-838A>G (NM_001353961.2); short protein forms R529G, R530G.
Identifiers: ClinVar variation 2502554 (VCV002502554.1), dbSNP rs2468166058, ClinGen allele CA349069253.